The following is an entry in ClinVar:

NM_058179.4(PSAT1):c.871T>C (p.Cys291Arg)

Gene: PSAT1 (phosphoserine aminotransferase 1; plus strand). Cytogenetic location: 9q21.2.
Variant type: single nucleotide variant.
Coding change: c.871T>C on transcript NM_058179.4 (MANE Select); coding-DNA position 871, T replaced by C.
Protein change: p.Cys291Arg; replaces cysteine 291 with arginine.
Molecular consequence: missense variant. On other transcripts: intron variant (1).
Genome position (GRCh38, 1-based): chr9:78,328,052, T>C. VCF-style: chr9-78328052-T-C. GRCh37 (hg19) VCF-style: chr9-80942968-T-C.
Other names: c.870-929T>C (NM_021154.5); short protein forms C291R.
Identifiers: ClinVar variation 977009 (VCV000977009.8), dbSNP rs573647836, ClinGen allele CA5095762.

ClinVar aggregate classification (germline): Uncertain significance. Review status: criteria provided, single submitter (1 of 4 stars). 2 submissions from 2 submitters: Uncertain significance (1). 1 of the submissions does not count toward it. Last evaluated 2021-08-26.

Conditions:
Neu-Laxova syndrome 2. Identifiers: Orphanet 2671, Orphanet 583602, MedGen C4015019, MONDO:0014466, OMIM 616038.

Allele frequency attached by ClinVar (database versions not stated): TOPMed below 0.00001; ExAC 0.00001; gnomAD 0.00001; gnomAD exomes 0.00001.
gnomAD v4.1: 14 of 1,610,324 alleles (0.00087%); highest among the groups gnomAD compares: Non-Finnish European, 0.0012%; no homozygotes.

Submissions (2):

Labcorp Genetics (formerly Invitae), Labcorp
Classification: Uncertain significance for Neu-Laxova syndrome 2. Last evaluated: 2021-08-26. Review status: criteria provided, single submitter. Criteria: Invitae Variant Classification Sherloc (09022015). Collection method: clinical testing. Allele origin: germline.
Comment: This sequence change replaces cysteine with arginine at codon 291 of the PSAT1 protein (p.Cys291Arg). The cysteine residue is highly conserved and there is a large physicochemical difference between cysteine and arginine. The frequency data for this variant in the population databases is considered unreliable, as metrics indicate poor data quality at this position in the ExAC database. This variant has not been reported in the literature in individuals affected with PSAT1-related conditions. ClinVar contains an entry for this variant (Variation ID: 977009). Algorithms developed to predict the effect of missense changes on protein structure and function are either unavailable or do not agree on the potential impact of this missense change (SIFT: "Deleterious"; PolyPhen-2: "Probably Damaging"; Align-GVGD: "Class C0"). Experimental studies have shown that this missense change affects PSAT1 function (PMID: 32077105). In summary, the available evidence is currently insufficient to determine the role of this variant in disease. Therefore, it has been classified as a Variant of Uncertain Significance.

Dudley Research Group, Pacific Northwest Research Institute
No classification provided. Review status: no classification provided. Collection method: research, in vivo. Allele origin: unknown, not applicable. Functional consequence: loss_of_function_variant. Not counted in ClinVar's aggregate classification.

Literature cited by the submitters: PubMed 32077105 (cited by Labcorp Genetics (formerly Invitae), Labcorp).